The following is an entry in ClinVar:

NM_001277115.2(DNAH11):c.13475_13504dup (p.Lys4501_Thr4502insArgThrPheArgLeuLysSerGluGluLys)

Genes: CDCA7L (cell division cycle associated 7 like; minus strand), DNAH11 (dynein axonemal heavy chain 11; plus strand). Cytogenetic location: 7p15.3.
Variant type: Duplication.
Coding change: c.13475_13504dup on transcript NM_001277115.2 (MANE Select); coding-DNA positions 13475 to 13504, 30 bases duplicated (GGACCTTCAGGCTGAAGAGCGAAGAGAAGA).
Protein change: p.Lys4501_Thr4502insArgThrPheArgLeuLysSerGluGluLys.
Molecular consequence: inframe insertion. On other transcripts: 3 prime UTR variant (3).
Genome position (GRCh38, 1-based): chr7:21,901,178-21,901,207, GGACCTTCAGGCTGAAGAGCGAAGAGAAGA duplicated. VCF-style (leftmost placement, unchanged base first): chr7-21901177-T-TGGACCTTCAGGCTGAAGAGCGAAGAGAAGA. GRCh37 (hg19) VCF-style: chr7-21940795-T-TGGACCTTCAGGCTGAAGAGCGAAGAGAAGA.
Other names: c.*1115_*1144dup (NM_001127370.3, NM_001127371.3, NM_018719.5).
Identifiers: ClinVar variation 2024972 (VCV002024972.4), dbSNP rs2534165883, ClinGen allele CA2580076940.

ClinVar aggregate classification (germline): Uncertain significance (1 of 4 stars; one submission).

Conditions:
Primary ciliary dyskinesia. Also called: Ciliary dyskinesia. Identifiers: Orphanet 244, MedGen C0008780, MONDO:0016575, HP:0012265.

Submission:

Labcorp Genetics (formerly Invitae), Labcorp
Classification: Uncertain significance for Primary ciliary dyskinesia. Last evaluated: 2022-10-17. Review status: criteria provided, single submitter. Criteria: Invitae Variant Classification Sherloc (09022015). Collection method: clinical testing. Allele origin: germline.
Comment: In summary, the available evidence is currently insufficient to determine the role of this variant in disease. Therefore, it has been classified as a Variant of Uncertain Significance. This variant has not been reported in the literature in individuals affected with DNAH11-related conditions. This variant is not present in population databases (gnomAD no frequency). This variant, c.13475_13504dup, results in the insertion of 10 amino acid(s) of the DNAH11 protein (p.Lys4501_Thr4502insArgThrPheArgLeuLysSerGluGluLys), but otherwise preserves the integrity of the reading frame.